The following is an entry in ClinVar:

ClinVar aggregate classification (germline): Uncertain significance. Review status: criteria provided, single submitter (1 of 4 stars). 2 submissions from 2 submitters: Uncertain significance (1). 1 of the submissions does not count toward it. Last evaluated 2021-08-20.

Conditions:
Familial dysautonomia. Also called: HSAN III; FD. Identifiers: Orphanet 1764, MedGen C0013364, MONDO:0009131, OMIM 223900. Disease mechanism: loss of function.

Submissions (2):

Labcorp Genetics (formerly Invitae), Labcorp
Classification: Uncertain significance. Last evaluated: 2021-08-20. Review status: criteria provided, single submitter. Criteria: Invitae Variant Classification Sherloc (09022015). Collection method: clinical testing. Allele origin: germline.
Comment: This sequence change replaces glutamic acid with aspartic acid at codon 81 of the ELP1 protein (p.Glu81Asp). The glutamic acid residue is moderately conserved and there is a small physicochemical difference between glutamic acid and aspartic acid. This variant is not present in population databases (ExAC no frequency). This variant has not been reported in the literature in individuals affected with ELP1-related conditions. Algorithms developed to predict the effect of missense changes on protein structure and function (SIFT, PolyPhen-2, Align-GVGD) all suggest that this variant is likely to be tolerated. In summary, the available evidence is currently insufficient to determine the role of this variant in disease. Therefore, it has been classified as a Variant of Uncertain Significance.

Natera, Inc.
Classification: Uncertain significance for Familial dysautonomia. Last evaluated: 2021-01-11. Review status: no assertion criteria provided. Collection method: clinical testing. Allele origin: germline. Not counted in ClinVar's aggregate classification.

NM_003640.5(ELP1):c.243G>T (p.Glu81Asp)

Gene: ELP1 (elongator acetyltransferase complex subunit 1; minus strand). Cytogenetic location: 9q31.3.
Variant type: single nucleotide variant.
Coding change: c.243G>T on transcript NM_003640.5 (MANE Select); coding-DNA position 243, G replaced by T.
Protein change: p.Glu81Asp; replaces glutamic acid 81 with aspartic acid.
Molecular consequence: missense variant. On other transcripts: 5 prime UTR variant (2).
Genome position (GRCh38, 1-based): chr9:108,929,829, C>A on the plus strand (G>T on the coding strand, the complement: ELP1 is on the minus strand). VCF-style: chr9-108929829-C-A. GRCh37 (hg19) VCF-style: chr9-111692109-C-A.
Other names: c.243G>T (LRG_251t1); c.-100G>T (NM_001318360.2); c.-617G>T (NM_001330749.2); short protein forms E81D.
Identifiers: ClinVar variation 643835 (VCV000643835.7), dbSNP rs1587926883, ClinGen allele CA374394004.